The following is an entry in ClinVar:

NM_015087.5(SPART):c.1127A>G (p.Asn376Ser)

Gene: SPART (spartin; minus strand). Cytogenetic location: 13q13.3.
Variant type: single nucleotide variant.
Coding change: c.1127A>G on transcript NM_015087.5 (MANE Select); coding-DNA position 1127, A replaced by G.
Protein change: p.Asn376Ser; replaces asparagine 376 with serine.
Molecular consequence: missense variant.
Genome position (GRCh38, 1-based): chr13:36,329,399, T>C on the plus strand (A>G on the coding strand, the complement: SPART is on the minus strand). VCF-style: chr13-36329399-T-C. GRCh37 (hg19) VCF-style: chr13-36903536-T-C.
Other names: c.1127A>G, p.Asn376Ser (NM_001142294.2, NM_001142295.2, NM_001142296.2); short protein forms N376S.
Identifiers: ClinVar variation 240963 (VCV000240963.13), dbSNP rs368305530, ClinGen allele CA6949486.

ClinVar aggregate classification (germline): Conflicting classifications of pathogenicity. Review status: criteria provided, conflicting classifications (1 of 4 stars). 3 submissions from 3 submitters: Uncertain significance (2); Likely benign (1). Last evaluated 2021-07-21.

Conditions:
Inborn genetic diseases. Identifiers: MedGen C0950123, MeSH D030342.
Hereditary spastic paraplegia. Also called: Familial spastic paraparesis. Identifiers: Orphanet 685, MedGen C0037773, MONDO:0019064. Disease mechanism: loss of function.

Allele frequency attached by ClinVar (database versions not stated): gnomAD 0.00003; TOPMed 0.00003; gnomAD exomes 0.00004; ExAC 0.00006; ESP Exome Variant Server 0.00015.
gnomAD v4.1: 71 of 1,614,216 alleles (0.0044%); highest among the groups gnomAD compares: Middle Eastern, 0.13%; no homozygotes.

Submissions (4):

Ambry Genetics
Classification: Likely benign for Inborn genetic diseases. Last evaluated: 2021-07-21. Review status: criteria provided, single submitter. Criteria: Ambry Variant Classification Scheme 2023. Collection method: clinical testing. Allele origin: germline.

Labcorp Genetics (formerly Invitae), Labcorp
Classification: Uncertain significance. Last evaluated: 2018-09-26. Review status: criteria provided, single submitter. Criteria: Invitae Variant Classification Sherloc (09022015). Collection method: clinical testing. Allele origin: germline.
Comment: In summary, the available evidence is currently insufficient to determine the role of this variant in disease. Therefore, it has been classified as a Variant of Uncertain Significance. Algorithms developed to predict the effect of sequence changes on RNA splicing suggest that this variant may create or strengthen a splice site, but this prediction has not been confirmed by published transcriptional studies. Algorithms developed to predict the effect of missense changes on protein structure and function output the following: SIFT: "Tolerated"; PolyPhen-2: "Benign"; Align-GVGD: "Class C0". The serine amino acid residue is found in multiple mammalian species, suggesting that this missense change does not adversely affect protein function. These predictions have not been confirmed by published functional studies and their clinical significance is uncertain. This variant has not been reported in the literature in individuals with SPG20-related disease. ClinVar contains an entry for this variant (Variation ID: 240963). This variant is present in population databases (rs368305530, ExAC 0.01%). This sequence change replaces asparagine with serine at codon 376 of the SPG20 protein (p.Asn376Ser). The asparagine residue is weakly conserved and there is a small physicochemical difference between asparagine and serine.

Genome Diagnostics Laboratory, The Hospital for Sick Children
Classification: Uncertain significance for Hereditary spastic paraplegia. Last evaluated: 2016-12-12. Review status: criteria provided, single submitter. Criteria: ACMG Guidelines, 2015. Collection method: clinical testing. Allele origin: germline. Affected: yes.

Dr. Peter K. Rogan Lab, Western University
No classification provided (evidence only). Condition: Ovarian serous cystadenocarcinoma. Review status: no classification provided. Collection method: in vitro. Allele origin: not applicable. Functional consequence: retained intron. Not counted in ClinVar's aggregate classification.